The following is an entry in ClinVar:

NM_005677.4(COLQ):c.1196-326C>T

Gene: COLQ (collagen like tail subunit of asymmetric acetylcholinesterase; minus strand). Cytogenetic location: 3p25.1.
Variant type: single nucleotide variant.
Coding change: c.1196-326C>T on transcript NM_005677.4 (MANE Select); 326 bases into the intron before coding-DNA position 1196, C replaced by T.
Molecular consequence: intron variant.
Genome position (GRCh38, 1-based): chr3:15,454,257, G>A on the plus strand (C>T on the coding strand, the complement: COLQ is on the minus strand). VCF-style: chr3-15454257-G-A. GRCh37 (hg19) VCF-style: chr3-15495764-G-A.
Other names: c.1094-326C>T (NM_080539.4); c.1166-326C>T (NM_080538.2).
Identifiers: ClinVar variation 668111 (VCV000668111.1), dbSNP rs2345105, ClinGen allele CA15246054.

ClinVar aggregate classification (germline): Benign (1 of 4 stars; one submission).

Allele frequency attached by ClinVar (database versions not stated): gnomAD 0.37486 and 0.37599; TOPMed 0.38003; 1000 Genomes Project 30x 0.38866; 1000 Genomes Project 0.38938.
gnomAD v4.1: 57,361 of 151,980 alleles (38%); highest among the groups gnomAD compares: East Asian, 49%; 10,891 homozygotes.

Submission:

GeneDx
Classification: Benign. Last evaluated: 2018-06-19. Review status: criteria provided, single submitter. Criteria: GeneDx Variant Classification (06012015). Collection method: clinical testing. Allele origin: germline. Affected: yes.
Comment: This variant is considered likely benign or benign based on one or more of the following criteria: it is a conservative change, it occurs at a poorly conserved position in the protein, it is predicted to be benign by multiple in silico algorithms, and/or has population frequency not consistent with disease.